The following is an entry in ClinVar:

ClinVar aggregate classification (germline): Likely pathogenic (1 of 4 stars; one submission).

Conditions:
Microcephaly with or without chorioretinopathy, lymphedema, or impaired intellectual development. Also called: MICROCEPHALY AND CHORIORETINOPATHY WITH OR WITHOUT MENTAL RETARDATION, AUTOSOMAL DOMINANT; MICROCEPHALY, LYMPHEDEMA, CHORIORETINAL DYSPLASIA SYNDROME; Microcephaly lymphedema chorioretinal dysplasia; Microcephaly with or without chorioretinopathy, lymphedema, or mental retardation; Microcephaly with or without chorioretinopathy, lymphedema, or intellectual disability. Identifiers: Orphanet 2526, MedGen C1835265, MONDO:0007918, OMIM 152950.

Submission:

Broad Center for Mendelian Genomics, Broad Institute of MIT and Harvard
Classification: Likely pathogenic for Microcephaly with or without chorioretinopathy, lymphedema, or impaired intellectual development. Last evaluated: 2023-01-25. Review status: criteria provided, single submitter. Criteria: ACMG Guidelines, 2015. Collection method: curation. Allele origin: germline. Inheritance: Autosomal dominant inheritance.
Comment: The heterozygous p.Gln321Ter variant in KIF11 was identified by our study in two family members with microcephaly with or without chorioretinopathy, lymphedema, or intellectual disability. The p.Gln321Ter variant in KIF11 has not been previously reported in individuals with autosomal dominant microcephaly with or without chorioretinopathy, lymphedema, or intellectual disability. This variant was absent from large population studies. This nonsense variant leads to a premature termination codon at position 321, which is predicted to lead to a truncated or absent protein. Heterozygous loss of function of the KIF11 gene is an established disease mechanism in autosomal dominant microcephaly with or without chorioretinopathy, lymphedema, or intellectual disability. In summary, although additional studies are required to fully establish its clinical significance, this variant is likely pathogenic for autosomal dominant microcephaly with or without chorioretinopathy, lymphedema, or intellectual disability. ACMG/AMP Criteria applied: PVS1, PM2_Supporting (Richards 2015).

NM_004523.4(KIF11):c.961C>T (p.Gln321Ter)

Gene: KIF11 (kinesin family member 11; plus strand). Cytogenetic location: 10q23.33.
Variant type: single nucleotide variant.
Coding change: c.961C>T on transcript NM_004523.4 (MANE Select); coding-DNA position 961, C replaced by T.
Protein change: p.Gln321Ter; replaces glutamine 321 with a stop codon.
Molecular consequence: nonsense.
Genome position (GRCh38, 1-based): chr10:92,613,548, C>T. VCF-style: chr10-92613548-C-T. GRCh37 (hg19) VCF-style: chr10-94373305-C-T.
Other names: NM_004523.4:c.961C>T; short protein forms Q321*.
Identifiers: ClinVar variation 2412713 (VCV002412713.1), dbSNP rs2492490361, ClinGen allele CA377590548.